The following is an entry in ClinVar:

NM_000548.5(TSC2):c.1356C>A (p.Phe452Leu)

Gene: TSC2 (TSC complex subunit 2; plus strand). Cytogenetic location: 16p13.3.
Variant type: single nucleotide variant.
Coding change: c.1356C>A on transcript NM_000548.5 (MANE Select); coding-DNA position 1356, C replaced by A.
Protein change: p.Phe452Leu; replaces phenylalanine 452 with leucine.
Molecular consequence: missense variant.
Genome position (GRCh38, 1-based): chr16:2,062,595, C>A. VCF-style: chr16-2062595-C-A. GRCh37 (hg19) VCF-style: chr16-2112596-C-A.
Other names: c.1356C>A, p.Phe452Leu (NM_001077183.3, NM_001114382.3, NM_001363528.2 and 3 more transcripts); c.1245C>A, p.Phe415Leu (NM_001318827.2); c.1209C>A, p.Phe403Leu (NM_001318829.2); c.756C>A, p.Phe252Leu (NM_001318831.2); c.1389C>A, p.Phe463Leu (NM_001318832.2); short protein forms F452L, F403L, F252L, F415L, F463L.
Identifiers: ClinVar variation 467864 (VCV000467864.24), dbSNP rs769147552, ClinGen allele CA029417.

ClinVar aggregate classification (germline): Conflicting classifications of pathogenicity. Review status: criteria provided, conflicting classifications (1 of 4 stars). 6 submissions from 6 submitters: Uncertain significance (4); Likely benign (2). Last evaluated 2025-12-21.

Conditions:
Isolated focal cortical dysplasia type II (FCORD2). Also called: CORTICAL DYSPLASIA OF TAYLOR; Focal cortical dysplasia type II. Identifiers: Orphanet 268994, MedGen C1846385, MONDO:0011818, OMIM 607341, HP:0032051.
Hereditary cancer-predisposing syndrome. Also called: Hereditary neoplastic syndrome; Neoplastic Syndromes, Hereditary; Tumor predisposition; Hereditary Cancer Syndrome. Identifiers: Orphanet 140162, MedGen C0027672, MeSH D009386, MONDO:0015356.
Tuberous sclerosis syndrome (TSC). Also called: Tuberous Sclerosis Complex; Tuberous sclerosis. Identifiers: Orphanet 805, MedGen C0041341, MONDO:0001734.
Tuberous sclerosis 2 (TSC2). Identifiers: Orphanet 805, MedGen C1860707, MONDO:0013199, OMIM 613254.

Allele frequency attached by ClinVar (database versions not stated): ExAC 0.00001; TOPMed 0.00002.
gnomAD v4.1: 11 of 1,606,892 alleles (0.00068%); no homozygotes.

Submissions (6):

Labcorp Genetics (formerly Invitae), Labcorp
Classification: Likely benign for Tuberous sclerosis 2. Last evaluated: 2025-12-21. Review status: criteria provided, single submitter. Criteria: Invitae Variant Classification Sherloc (09022015). Collection method: clinical testing. Allele origin: germline.

All of Us Research Program, National Institutes of Health
Classification: Uncertain significance for Tuberous sclerosis syndrome. Last evaluated: 2024-08-13. Review status: criteria provided, single submitter. Criteria: ACMG Guidelines, 2015. Collection method: clinical testing. Allele origin: germline. Inheritance: Autosomal dominant inheritance. Observed: 4 variant alleles, 4 heterozygotes.
Comment: This missense variant replaces phenylalanine with leucine at codon 452 of the TSC2 protein. Computational prediction suggests that this variant may have deleterious impact on protein structure and function (internally defined REVEL score threshold >= 0.7, PMID: 27666373). To our knowledge, functional studies have not been reported for this variant. This variant has not been reported in individuals affected with tuberous sclerosis complex in the literature. This variant has not been identified in the general population by the Genome Aggregation Database (gnomAD). The available evidence is insufficient to determine the role of this variant in disease conclusively. Therefore, this variant is classified as a Variant of Uncertain Significance.

This study involves interpretation of variants in research participants for the purpose of population health screening. Participant phenotype was not available at the time of variant classification. Additional details can be found in publication PMID: 35346344, PMCID: PMC8962531

Ambry Genetics
Classification: Uncertain significance for Hereditary cancer-predisposing syndrome. Last evaluated: 2024-04-01. Review status: criteria provided, single submitter. Criteria: Ambry Variant Classification Scheme 2023. Collection method: clinical testing. Allele origin: germline.
Comment: The p.F452L variant (also known as c.1356C>A), located in coding exon 12 of the TSC2 gene, results from a C to A substitution at nucleotide position 1356. The phenylalanine at codon 452 is replaced by leucine, an amino acid with highly similar properties. This amino acid position is well conserved in available vertebrate species. In addition, this alteration is predicted to be deleterious by in silico analysis. Since supporting evidence is limited at this time, the clinical significance of this alteration remains unclear.

Baylor Genetics
Classification: Uncertain significance for Isolated focal cortical dysplasia type II. Last evaluated: 2023-10-31. Review status: criteria provided, single submitter. Criteria: ACMG Guidelines, 2015. Collection method: clinical testing. Allele origin: unknown.

GeneDx
Classification: Uncertain significance. Last evaluated: 2023-04-03. Review status: criteria provided, single submitter. Criteria: GeneDx Variant Classification Process June 2021. Collection method: clinical testing. Allele origin: germline. Affected: yes.
Comment: In silico analysis supports that this missense variant has a deleterious effect on protein structure/function; Has not been previously published as pathogenic or benign to our knowledge

Genome-Nilou Lab
Classification: Likely benign for Tuberous sclerosis 2. Last evaluated: 2021-11-07. Review status: criteria provided, single submitter. Criteria: ACMG Guidelines, 2015. Collection method: clinical testing. Allele origin: germline. Affected: no.